The following is an entry in ClinVar:

NM_001165963.4(SCN1A):c.4298G>A (p.Gly1433Glu)

Genes: SCN1A (sodium voltage-gated channel alpha subunit 1; minus strand), LOC102724058 (uncharacterized LOC102724058; plus strand). Cytogenetic location: 2q24.3.
Variant type: single nucleotide variant.
Coding change: c.4298G>A on transcript NM_001165963.4 (MANE Select); coding-DNA position 4298, G replaced by A.
Protein change: p.Gly1433Glu; replaces glycine 1433 with glutamic acid.
Molecular consequence: missense variant. On other transcripts: non-coding transcript variant (1).
Genome position (GRCh38, 1-based): chr2:165,999,763, C>T on the plus strand (G>A on the coding strand, the complement: SCN1A is on the minus strand). VCF-style: chr2-165999763-C-T. GRCh37 (hg19) VCF-style: chr2-166856273-C-T.
Other names: c.4214G>A, p.Gly1405Glu (NM_001165964.3, NM_001353957.2, NM_001353958.2); c.4298G>A, p.Gly1433Glu (NM_001202435.3, NM_001353948.2); c.4265G>A, p.Gly1422Glu (NM_001353949.2, NM_001353950.2, NM_001353951.2 and 2 more transcripts); c.4262G>A, p.Gly1421Glu (NM_001353954.2, NM_001353955.2); c.4211G>A, p.Gly1404Glu (NM_001353960.2); c.1856G>A, p.Gly619Glu (NM_001353961.2); short protein forms G1422E, G1433E, G1404E, G619E, G1405E, G1421E.
Identifiers: ClinVar variation 68630 (VCV000068630.13), dbSNP rs121918741, ClinGen allele CA285162.
Genomic context (GRCh38, chr2:165,999,763, plus strand): 5'-AGAATACAAGGAATACTTACATTTCTGGAATCAACTGCTGCATACATTATATCCATCCAT[C>T]CTTTGAATGTGGCCTATTAAGAAGGACATGCATGTTTTACTTTGGAGTAAAAATAATTTA-3'
Protein context (NP_001159435.1, residues 1423-1443): LSLLQVATFK[Gly1433Glu]WMDIMYAAVD

ClinVar aggregate classification (germline): Pathogenic/Likely pathogenic. Review status: criteria provided, multiple submitters, no conflicts (2 of 4 stars). 5 submissions from 5 submitters: Pathogenic (3); Likely pathogenic (1). 1 of the submissions does not count toward it. Last evaluated 2025-09-15.

Conditions:
Early-infantile DEE. Also called: Early infantile epileptic encephalopathy; Early infantile epileptic encephalopathy with suppression bursts; Ohtahara syndrome. Identifiers: Orphanet 1934, MedGen C0393706, MONDO:0800491.
Severe myoclonic epilepsy in infancy (DRVT). Also called: SEVERE MYOCLONIC EPILEPSY OF INFANCY; DEVELOPMENTAL AND EPILEPTIC ENCEPHALOPATHY 6A; Severe Myoclonic Epilepsy in Infancy (SMEI); Dravet syndrome; Epileptic encephalopathy, early infantile, 6 (Dravet syndrome). Identifiers: Orphanet 33069, MedGen C0751122, MONDO:0100135, OMIM 607208.

Submissions (5):

Labcorp Genetics (formerly Invitae), Labcorp
Classification: Pathogenic for Early-infantile DEE. Last evaluated: 2025-09-15. Review status: criteria provided, single submitter. Criteria: Invitae Variant Classification Sherloc (09022015). Collection method: clinical testing. Allele origin: germline.
Comment: This sequence change replaces glycine, which is neutral and non-polar, with glutamic acid, which is acidic and polar, at codon 1433 of the SCN1A protein (p.Gly1433Glu). This variant is not present in population databases (gnomAD no frequency). This missense change has been observed in individual(s) with Dravet syndrome (PMID: 18554359, 23762420). In at least one individual the variant was observed to be de novo. ClinVar contains an entry for this variant (Variation ID: 68630). Invitae Evidence Modeling of protein sequence and biophysical properties (such as structural, functional, and spatial information, amino acid conservation, physicochemical variation, residue mobility, and thermodynamic stability) indicates that this missense variant is expected to disrupt SCN1A protein function with a positive predictive value of 95%. This variant disrupts the p.Gly1433 amino acid residue in SCN1A. Other variant(s) that disrupt this residue have been observed in individuals with SCN1A-related conditions (PMID: 20729507, 21248271), which suggests that this may be a clinically significant amino acid residue. For these reasons, this variant has been classified as Pathogenic.

3billion
Classification: Likely pathogenic for Severe myoclonic epilepsy in infancy. Last evaluated: 2025-02-17. Review status: criteria provided, single submitter. Criteria: ACMG Guidelines, 2015. Collection method: clinical testing. Allele origin: germline. Affected: yes.
Comment: The variant is not observed in the gnomAD v4.1.0 dataset. Predicted Consequence/Location: Missense variant In silico tool predictions suggest damaging effect of the variant on gene or gene product [REVEL: 0.94 (>=0.6, sensitivity 0.68 and specificity 0.92); 3Cnet: 0.99 (>=0.6, sensitivity 0.72 and precision 0.9)]. The same nucleotide change resulting in the same amino acid change has been previously reported as pathogenic/likely pathogenic with strong evidence (ClinVar ID: VCV000068630 /PMID: 18554359). A different missense change at the same codon (p.Gly1433Arg) has been reported as pathogenic/likely pathogenic with strong evidence (ClinVar ID: VCV000206814 /PMID: 20729507, 29655203). Therefore, this variant is classified as Likely pathogenic according to the recommendation of ACMG/AMP guideline.

GeneDx
Classification: Pathogenic. Last evaluated: 2025-02-13. Review status: criteria provided, single submitter. Criteria: GeneDx Variant Classification Process June 2021. Collection method: clinical testing. Allele origin: germline. Affected: yes.
Comment: Not observed at significant frequency in large population cohorts (gnomAD); In silico analysis supports that this missense variant has a deleterious effect on protein structure/function; This variant is associated with the following publications: (PMID: 24168886, 18554359, 20431604, 28150151, 23762420, 20729507, 26096185, 21248271, 35074891, 31031587, 31440721)

Center for Bioinformatics, Peking University
Classification: Pathogenic for Dravet syndrome. Last evaluated: 2014-12-20. Review status: criteria provided, single submitter. Criteria: Xu et al. (Hum Mutat. 2015). Collection method: research. Allele origin: de novo. Affected: yes. Observed: 1 variant allele. Study: University Clinical Cooperation “985 Project” PKU-2014-1-1.
Comment: Dravet syndrome (DS) probands were recruited from the outpatient and inpatient child neurology units of Peking University First Hospital from 2005 till present. The study was approved by the Ethics Committee of Peking University First Hospital and the Institutional Review Board at Peking University. Participants or their parents provided written informed consent before enrollment. We collected a total of 267 mutations from 255 families with probands diagnosed with DS in China. All probands fulfilled the clinical diagnostic criteria.

UniProtKB/Swiss-Prot
No classification provided. Condition: Severe myoclonic epilepsy in infancy. Review status: no classification provided. Collection method: not provided. Allele origin: germline. Not counted in ClinVar's aggregate classification.

Literature cited by the submitters: PubMed 18554359 (cited by Labcorp Genetics (formerly Invitae), Labcorp and 3billion); PubMed 23762420 (cited by Labcorp Genetics (formerly Invitae), Labcorp); PubMed 20729507 (cited by Labcorp Genetics (formerly Invitae), Labcorp and 3billion); PubMed 21248271 (cited by Labcorp Genetics (formerly Invitae), Labcorp).